The following is an entry in ClinVar:

NM_058216.3(RAD51C):c.730A>T (p.Ile244Phe)

Gene: RAD51C (RAD51 paralog C; plus strand). Cytogenetic location: 17q22.
Variant type: single nucleotide variant.
Coding change: c.730A>T on transcript NM_058216.3 (MANE Select); coding-DNA position 730, A replaced by T.
Protein change: p.Ile244Phe; replaces isoleucine 244 with phenylalanine.
Molecular consequence: missense variant. On other transcripts: non-coding transcript variant (1).
Genome position (GRCh38, 1-based): chr17:58,709,883, A>T. VCF-style: chr17-58709883-A-T. GRCh37 (hg19) VCF-style: chr17-56787244-A-T.
Other names: short protein forms I244F.
Identifiers: ClinVar variation 664162 (VCV000664162.8), dbSNP rs199886026, ClinGen allele CA400353336.

ClinVar aggregate classification (germline): Uncertain significance (1 of 4 stars; one submission).

Conditions:
Fanconi anemia complementation group O. Also called: RAD51C-Related Fanconi Anemia. Identifiers: Orphanet 84, MedGen C3150653, MONDO:0013248, OMIM 613390.

Submission:

Labcorp Genetics (formerly Invitae), Labcorp
Classification: Uncertain significance for Fanconi anemia complementation group O. Last evaluated: 2018-12-07. Review status: criteria provided, single submitter. Criteria: Invitae Variant Classification Sherloc (09022015). Collection method: clinical testing. Allele origin: germline.
Comment: In summary, the available evidence is currently insufficient to determine the role of this variant in disease. Therefore, it has been classified as a Variant of Uncertain Significance. Algorithms developed to predict the effect of missense changes on protein structure and function are either unavailable or do not agree on the potential impact of this missense change (SIFT: "Deleterious"; PolyPhen-2: "Benign"; Align-GVGD: "Class C0"). This variant has not been reported in the literature in individuals with RAD51C-related disease. This variant is not present in population databases (ExAC no frequency). This sequence change replaces isoleucine with phenylalanine at codon 244 of the RAD51C protein (p.Ile244Phe). The isoleucine residue is highly conserved and there is a small physicochemical difference between isoleucine and phenylalanine.